The following is an entry in ClinVar:

ClinVar aggregate classification (germline): Uncertain significance. Review status: criteria provided, single submitter (1 of 4 stars). 2 submissions from 2 submitters: Uncertain significance (1). 1 of the submissions does not count toward it. Last evaluated 2022-11-07.

Conditions:
Hereditary cancer-predisposing syndrome. Also called: Hereditary Cancer Syndrome; Hereditary neoplastic syndrome; Neoplastic Syndromes, Hereditary; Tumor predisposition. Identifiers: Orphanet 140162, MedGen C0027672, MeSH D009386, MONDO:0015356.
Breast-ovarian cancer, familial, susceptibility to, 1 (BROVCA1). Also called: BRCA1 Hereditary Breast and Ovarian Cancer; OVARIAN CANCER, SUSCEPTIBILITY TO. Identifiers: Orphanet 145, MedGen C2676676, MONDO:0011450, OMIM 604370. Disease mechanism: loss of function.

Allele frequency attached by ClinVar (database versions not stated): gnomAD exomes below 0.00001.
gnomAD v4.1: 1 of 1,614,120 alleles (0.000062%); highest among the groups gnomAD compares: Non-Finnish European, 0.000085%; no homozygotes.

Submissions (2):

Color Diagnostics, LLC DBA Color Health
Classification: Uncertain significance for Hereditary cancer-predisposing syndrome. Last evaluated: 2022-11-07. Review status: criteria provided, single submitter. Criteria: ACMG Guidelines, 2015. Collection method: clinical testing. Allele origin: germline.
Comment: This missense variant replaces proline with leucine at codon 1562 of the BRCA1 protein. Computational prediction is inconclusive regarding the impact of this variant on protein structure and function (internally defined REVEL score threshold 0.5 < inconclusive < 0.7, PMID: 27666373). To our knowledge, functional studies have not been reported for this variant. This variant has not been reported in individuals affected with BRCA1-related disorders in the literature. This variant has not been identified in the general population by the Genome Aggregation Database (gnomAD). The available evidence is insufficient to determine the role of this variant in disease conclusively. Therefore, this variant is classified as a Variant of Uncertain Significance.

Breast Cancer Information Core (BIC) (BRCA1)
Classification: Uncertain significance for Breast-ovarian cancer, familial 1. Review status: no assertion criteria provided. Collection method: clinical testing. Allele origin: germline. Affected: yes. Observed: 1 variant allele. Not counted in ClinVar's aggregate classification.

NM_007294.4(BRCA1):c.4685C>T (p.Pro1562Leu)

Gene: BRCA1 (BRCA1 DNA repair associated; minus strand). Cytogenetic location: 17q21.31.
Variant type: single nucleotide variant.
Coding change: c.4685C>T on transcript NM_007294.4 (MANE Select); coding-DNA position 4685, C replaced by T.
Protein change: p.Pro1562Leu; replaces proline 1562 with leucine.
Molecular consequence: missense variant. On other transcripts: non-coding transcript variant (1).
Genome position (GRCh38, 1-based): chr17:43,071,229, G>A on the plus strand (C>T on the coding strand, the complement: BRCA1 is on the minus strand). VCF-style: chr17-43071229-G-A. GRCh37 (hg19) VCF-style: chr17-41223246-G-A.
Other names: c.4538C>T, p.Pro1513Leu (NM_001407849.1, NM_001407850.1, NM_001407851.1 and 12 more transcripts); c.4685C>T, p.Pro1562Leu (NM_001407854.1, NM_001407684.1, NM_001407652.1 and 8 more transcripts); c.4682C>T, p.Pro1561Leu (NM_001407858.1, NM_001407859.1, NM_001407860.1 and 17 more transcripts); c.4679C>T, p.Pro1560Leu (NM_001407861.1, NM_001407627.1, NM_001407628.1 and 14 more transcripts); c.4304C>T, p.Pro1435Leu (NM_001407959.1); c.4301C>T, p.Pro1434Leu (NM_001407960.1, NM_001407962.1); c.4298C>T, p.Pro1433Leu (NM_001407963.1); c.4223C>T, p.Pro1408Leu (NM_001407964.1); and 70 more; short protein forms P1562L, P1515L, P458L, P1583L, P1393L, P1435L, P1449L, P1473L.
Identifiers: ClinVar variation 55261 (VCV000055261.5), dbSNP rs80357096, ClinGen allele CA002978.